The following is an entry in ClinVar:

NM_000303.3(PMM2):c.28C>G (p.Leu10Val)

Gene: PMM2 (phosphomannomutase 2; plus strand). Cytogenetic location: 16p13.2.
Variant type: single nucleotide variant.
Coding change: c.28C>G on transcript NM_000303.3 (MANE Select); coding-DNA position 28, C replaced by G.
Protein change: p.Leu10Val; replaces leucine 10 with valine.
Molecular consequence: missense variant.
Genome position (GRCh38, 1-based): chr16:8,797,910, C>G. VCF-style: chr16-8797910-C-G. GRCh37 (hg19) VCF-style: chr16-8891767-C-G.
Other names: short protein forms L10V.
Identifiers: ClinVar variation 2585363 (VCV002585363.1), dbSNP rs1215262242, ClinGen allele CA394694808.
Genomic context (GRCh38, chr16:8,797,910, plus strand): 5'-GTGTCTTGTAAGGTGCGGCTAGAAACTGGGGACATGGCAGCGCCTGGCCCAGCGCTCTGC[C>G]TCTTCGACGTGGATGGGACCCTCACCGCCCCGCGGCAGGTAAGTGGCGGCCGGCGGGCTG-3'
Protein context (NP_000294.1, residues 1-20): MAAPGPALC[Leu10Val]FDVDGTLTAP

ClinVar aggregate classification (germline): Uncertain significance (1 of 4 stars; one submission).

Conditions:
PMM2-congenital disorder of glycosylation. Also called: CARBOHYDRATE-DEFICIENT GLYCOPROTEIN SYNDROME, TYPE Ia; PMM2-CDG; Congenital disorder of glycosylation, type Ia; JAEKEN SYNDROME; PHOSPHOMANNOMUTASE 2 DEFICIENCY; CDG Ia. Identifiers: Orphanet 79318, MedGen C0349653, MONDO:0008907, OMIM 212065.

Submission:

Neuberg Centre For Genomic Medicine, NCGM
Classification: Uncertain significance for PMM2-congenital disorder of glycosylation. Review status: criteria provided, single submitter. Criteria: ACMG Guidelines, 2015. Collection method: clinical testing. Allele origin: germline. Inheritance: Autosomal recessive inheritance. Affected: yes.
Comment: The missense variant in c.28C>G (p.Leu10Val) in PMM2 gene has not been reported previously as a pathogenic variant nor as a benign variant, to our knowledge. The p.Leu10Val variant is novel (not in any individuals) in gnomAD Exomes and 1000 Genomes. The amino acid Leu at position 10 is changed to a Val changing protein sequence and it might alter its composition and physico-chemical properties. The amino acid change p.Leu10Val in PMM2 is predicted as conserved by GERP++ and PhyloP across 100 vertebrates. For these reasons, this variant has been classified as Uncertain Significance.